The following is an entry in ClinVar:

ClinVar aggregate classification (germline): Uncertain significance (1 of 4 stars; one submission).

Allele frequency attached by ClinVar (database versions not stated): TOPMed 0.00001; gnomAD 0.00001.

Submission:

Labcorp Genetics (formerly Invitae), Labcorp
Classification: Uncertain significance. Last evaluated: 2025-07-31. Review status: criteria provided, single submitter. Criteria: Invitae Variant Classification Sherloc (09022015). Collection method: clinical testing. Allele origin: germline.
Comment: This sequence change replaces alanine, which is neutral and non-polar, with valine, which is neutral and non-polar, at codon 415 of the RIMS1 protein (p.Ala415Val). This variant is not present in population databases (gnomAD no frequency). This variant has not been reported in the literature in individuals affected with RIMS1-related conditions. ClinVar contains an entry for this variant (Variation ID: 1399430). An algorithm developed to predict the effect of missense changes on protein structure and function outputs the following: PolyPhen-2: "Benign". The valine amino acid residue is found in multiple mammalian species, which suggests that this missense change does not adversely affect protein function. In summary, the available evidence is currently insufficient to determine the role of this variant in disease. Therefore, it has been classified as a Variant of Uncertain Significance.

NM_014989.7(RIMS1):c.1244C>T (p.Ala415Val)

Gene: RIMS1 (regulating synaptic membrane exocytosis 1; plus strand). Cytogenetic location: 6q13.
Variant type: single nucleotide variant.
Coding change: c.1244C>T on transcript NM_014989.7 (MANE Select); coding-DNA position 1244, C replaced by T.
Protein change: p.Ala415Val; replaces alanine 415 with valine.
Molecular consequence: missense variant.
Genome position (GRCh38, 1-based): chr6:72,182,715, C>T. VCF-style: chr6-72182715-C-T. GRCh37 (hg19) VCF-style: chr6-72892418-C-T.
Other names: short protein forms A415V.
Identifiers: ClinVar variation 1399430 (VCV001399430.6), dbSNP rs1187616371, ClinGen allele CA364820570.
Genomic context (GRCh38, chr6:72,182,715, plus strand): 5'-TCCCGCGCACCGAGGCGGGCGCGGCGCTGCCGGAGGGCAAGGCCGGCAAACGCGCGCCGG[C>T]GGCAGCCAGGGCCTCGCCGCCGGACTCGCCGCGGGCTTACTCGGCTGAGAGAACTGCGGA-3'
Protein context (NP_055804.2, residues 405-425): PEGKAGKRAP[Ala415Val]AARASPPDSP